The following is an entry in ClinVar:

ClinVar aggregate classification (germline): Likely benign. Review status: criteria provided, single submitter (1 of 4 stars). 2 submissions from 2 submitters: Likely benign (1). 1 of the submissions does not count toward it. Last evaluated 2024-02-05.

Conditions:
SLC26A3-related disorder. Also called: SLC26A3-related condition.

Allele frequency attached by ClinVar (database versions not stated): gnomAD exomes below 0.00001; ExAC 0.00001; TOPMed 0.00002; gnomAD 0.00003.
gnomAD v4.1: 8 of 1,613,814 alleles (0.0005%); highest among the groups gnomAD compares: African/African-American, 0.0093%; no homozygotes.

Submissions (2):

Labcorp Genetics (formerly Invitae), Labcorp
Classification: Likely benign. Last evaluated: 2024-02-05. Review status: criteria provided, single submitter. Criteria: Invitae Variant Classification Sherloc (09022015). Collection method: clinical testing. Allele origin: germline.

PreventionGenetics, part of Exact Sciences
Classification: Likely benign for SLC26A3-related condition. Last evaluated: 2019-06-24. Review status: no assertion criteria provided. Collection method: clinical testing. Allele origin: germline. Not counted in ClinVar's aggregate classification.
Comment: This variant is classified as likely benign based on ACMG/AMP sequence variant interpretation guidelines (Richards et al. 2015 PMID: 25741868, with internal and published modifications).

NM_000111.3(SLC26A3):c.555T>G (p.Leu185=)

Gene: SLC26A3 (solute carrier family 26 member 3; minus strand). Cytogenetic location: 7q22.3.
Variant type: single nucleotide variant.
Coding change: c.555T>G on transcript NM_000111.3 (MANE Select); coding-DNA position 555, T replaced by G.
Protein change: p.Leu185=; no amino-acid change (leucine 185 retained).
Molecular consequence: synonymous variant.
Genome position (GRCh38, 1-based): chr7:107,791,063, A>C on the plus strand (T>G on the coding strand, the complement: SLC26A3 is on the minus strand). VCF-style: chr7-107791063-A-C. GRCh37 (hg19) VCF-style: chr7-107431508-A-C.
Identifiers: ClinVar variation 2972471 (VCV002972471.5), dbSNP rs749494186, ClinGen allele CA4434096.